The following is an entry in ClinVar:

ClinVar aggregate classification (germline): Uncertain significance (1 of 4 stars; one submission).

Conditions:
Pityriasis rubra pilaris (PRP). Also called: Pityriasis rubra pilaris--familial type. Identifiers: Orphanet 2897, MedGen C0032027, MONDO:0100017, OMIM 173200, MONDO:0008251.
Psoriasis 2. Identifiers: MedGen C1864497, MONDO:0011269, OMIM 602723.

Submission:

Labcorp Genetics (formerly Invitae), Labcorp
Classification: Uncertain significance for Pityriasis rubra pilaris; Psoriasis 2. Last evaluated: 2024-07-23. Review status: criteria provided, single submitter. Criteria: Invitae Variant Classification Sherloc (09022015). Collection method: clinical testing. Allele origin: germline.
Comment: This sequence change replaces valine, which is neutral and non-polar, with glycine, which is neutral and non-polar, at codon 569 of the CARD14 protein (p.Val569Gly). This variant is not present in population databases (gnomAD no frequency). This variant has not been reported in the literature in individuals affected with CARD14-related conditions. Advanced modeling of protein sequence and biophysical properties (such as structural, functional, and spatial information, amino acid conservation, physicochemical variation, residue mobility, and thermodynamic stability) performed at Invitae indicates that this missense variant is expected to disrupt CARD14 protein function with a positive predictive value of 80%. In summary, the available evidence is currently insufficient to determine the role of this variant in disease. Therefore, it has been classified as a Variant of Uncertain Significance.

NM_001366385.1(CARD14):c.1706T>G (p.Val569Gly)

Gene: CARD14 (caspase recruitment domain family member 14; plus strand). Cytogenetic location: 17q25.3.
Variant type: single nucleotide variant.
Coding change: c.1706T>G on transcript NM_001366385.1 (MANE Select); coding-DNA position 1706, T replaced by G.
Protein change: p.Val569Gly; replaces valine 569 with glycine.
Molecular consequence: missense variant. On other transcripts: non-coding transcript variant (1).
Genome position (GRCh38, 1-based): chr17:80,198,446, T>G. VCF-style: chr17-80198446-T-G. GRCh37 (hg19) VCF-style: chr17-78172245-T-G.
Other names: c.1706T>G, p.Val569Gly (NM_001257970.1, NM_024110.4); c.995T>G, p.Val332Gly (NM_052819.3); short protein forms V332G, V569G.
Identifiers: ClinVar variation 3757366 (VCV003757366.2).
Genomic context (GRCh38, chr17:80,198,446, plus strand): 5'-TCCCGGCCTGCAGCGGCGTCCTCATGCGGCGGAGGCCAGCCCGCAGGATCCTGAGCCAGG[T>G]CACCATGCTGGCGTTCCAGGGGGATGCATTGCTGGAGCAGATCAGCGTCATCGGCGGGAA-3'
Protein context (NP_001353314.1, residues 559-579): RRPARRILSQ[Val569Gly]TMLAFQGDAL